The following is an entry in ClinVar:

NM_000393.5(COL5A2):c.2017C>A (p.Pro673Thr)

Gene: COL5A2 (collagen type V alpha 2 chain; minus strand). Cytogenetic location: 2q32.2.
Variant type: single nucleotide variant.
Coding change: c.2017C>A on transcript NM_000393.5 (MANE Select); coding-DNA position 2017, C replaced by A.
Protein change: p.Pro673Thr; replaces proline 673 with threonine.
Molecular consequence: missense variant.
Genome position (GRCh38, 1-based): chr2:189,061,576, G>T on the plus strand (C>A on the coding strand, the complement: COL5A2 is on the minus strand). VCF-style: chr2-189061576-G-T. GRCh37 (hg19) VCF-style: chr2-189926302-G-T.
Other names: short protein forms P673T.
Identifiers: ClinVar variation 3068599 (VCV003068599.1), dbSNP rs2469290782, ClinGen allele CA349877971.

ClinVar aggregate classification (germline): Uncertain significance (1 of 4 stars; one submission).

Conditions:
Ehlers-Danlos syndrome, classic type (cEDS). Identifiers: Orphanet 287, MedGen C4225429, MONDO:0007522.

Submission:

Molecular Genetics, Royal Melbourne Hospital
Classification: Uncertain significance for Ehlers-Danlos syndrome, classic type. Last evaluated: 2024-03-01. Review status: criteria provided, single submitter. Criteria: ACMG Guidelines, 2015. Collection method: clinical testing. Allele origin: germline. Inheritance: Autosomal dominant inheritance.
Comment: This sequence change in COL5A2 is predicted to replace proline with threonine at codon 673, p.(Pro673Thr). The proline residue is moderately conserved (100 vertebrates, Multiz Alignments), and is located in the disordered region of the gene. There is a small physicochemical difference between proline and threonine. This variant is absent from the population database gnomAD v4.0. To our knowledge, this variant is novel and has not been previously reported in the relevant scientific literature or databases. Computational evidence is uninformative for the missense substitution (REVEL = 0.455). Based on the classification scheme RMH Modified ACMG/AMP Guidelines v1.6.1, this variant is classified as a VARIANT OF UNCERTAIN SIGNIFICANCE. Following criteria are met: PM2_Supporting